The following is an entry in ClinVar:

NM_001267550.2(TTN):c.103514A>T (p.Glu34505Val)

Genes: TTN (titin; minus strand), TTN-AS1 (TTN antisense RNA 1; plus strand). Cytogenetic location: 2q31.2.
Variant type: single nucleotide variant.
Coding change: c.103514A>T on transcript NM_001267550.2 (MANE Select); coding-DNA position 103514, A replaced by T.
Protein change: p.Glu34505Val; replaces glutamic acid 34505 with valine.
Molecular consequence: missense variant.
Genome position (GRCh38, 1-based): chr2:178,533,101, T>A on the plus strand (A>T on the coding strand, the complement: TTN is on the minus strand). VCF-style: chr2-178533101-T-A. GRCh37 (hg19) VCF-style: chr2-179397828-T-A.
Other names: c.98591A>T, p.Glu32864Val (NM_001256850.1); c.95810A>T, p.Glu31937Val (NM_133378.4); c.76319A>T, p.Glu25440Val (NM_003319.4); c.76694A>T, p.Glu25565Val (NM_133432.3); c.76895A>T, p.Glu25632Val (NM_133437.4); short protein forms E31937V, E34505V, E25440V, E25565V, E25632V, E32864V.
Identifiers: ClinVar variation 229566 (VCV000229566.11), dbSNP rs761105256, ClinGen allele CA1985592.

ClinVar aggregate classification (germline): Conflicting classifications of pathogenicity. Review status: criteria provided, conflicting classifications (1 of 4 stars). 4 submissions from 4 submitters: Uncertain significance (3); Likely benign (1). Last evaluated 2025-12-29.

Conditions:
Autosomal recessive limb-girdle muscular dystrophy type 2J (LGMDR10). Also called: Limb-girdle muscular dystrophy, type 2J; MUSCULAR DYSTROPHY, LIMB-GIRDLE, AUTOSOMAL RECESSIVE 10. Identifiers: Orphanet 140922, MedGen C1837342, MONDO:0012127, OMIM 608807.
Dilated cardiomyopathy 1G (CMD1G). Identifiers: Orphanet 154, MedGen C1858763, MONDO:0011400, OMIM 604145.

Allele frequency attached by ClinVar (database versions not stated): gnomAD exomes below 0.00001; ExAC 0.00001; TOPMed 0.00001.

Submissions (4):

Labcorp Genetics (formerly Invitae), Labcorp
Classification: Uncertain significance for Dilated cardiomyopathy 1G; Autosomal recessive limb-girdle muscular dystrophy type 2J. Last evaluated: 2025-12-29. Review status: criteria provided, single submitter. Criteria: Invitae Variant Classification Sherloc (09022015). Collection method: clinical testing. Allele origin: germline.
Comment: This sequence change replaces glutamic acid, which is acidic and polar, with valine, which is neutral and non-polar, at codon 34505 of the TTN protein (p.Glu34505Val). This variant is present in population databases (rs761105256, gnomAD 0.002%). This missense change has been observed in individual(s) with hypertrophic cardiomyopathy (PMID: 32746448). ClinVar contains an entry for this variant (Variation ID: 229566). Experimental studies and prediction algorithms are not available or were not evaluated, and the functional significance of this variant is currently unknown. This variant is located in the M band of TTN (PMID: 25589632). Non-truncating variants in this region may be relevant for neuromuscular disorders, but have not been definitively shown to cause cardiomyopathy (PMID: 23975875). In summary, the available evidence is currently insufficient to determine the role of this variant in disease. Therefore, it has been classified as a Variant of Uncertain Significance.

GeneDx
Classification: Likely benign. Last evaluated: 2018-04-27. Review status: criteria provided, single submitter. Criteria: GeneDx Variant Classification (06012015). Collection method: clinical testing. Allele origin: germline. Affected: yes.
Comment: This variant is considered likely benign or benign based on one or more of the following criteria: it is a conservative change, it occurs at a poorly conserved position in the protein, it is predicted to be benign by multiple in silico algorithms, and/or has population frequency not consistent with disease.

Eurofins Ntd Llc (ga)
Classification: Uncertain significance. Last evaluated: 2015-11-06. Review status: criteria provided, single submitter. Criteria: EGL Classification Definitions 2015. Collection method: clinical testing. Allele origin: germline. Observed: 1 variant allele, 1 heterozygote.

Laboratory for Molecular Medicine, Mass General Brigham Personalized Medicine
Classification: Uncertain significance. Last evaluated: 2015-07-30. Review status: criteria provided, single submitter. Criteria: LMM Criteria. Collection method: clinical testing. Allele origin: germline. Observed: 1 variant allele.
Comment: The p.Glu31937Val variant in TTN has not been previously reported in individuals with cardiomyopathy, but has been identified in 1/66738 European chromosomes by the Exome Aggregation Consortium (ExAC; dbSNP r s761105256). Computational prediction tools and conservation analysis do not pro vide strong support for or against an impact to the protein. In summary, the cli nical significance of the p.Glu31937Val variant is uncertain.

Literature cited by the submitters: PubMed 32746448 (cited by Labcorp Genetics (formerly Invitae), Labcorp); PubMed 25589632 (cited by Labcorp Genetics (formerly Invitae), Labcorp); PubMed 23975875 (cited by Labcorp Genetics (formerly Invitae), Labcorp).